The following is an entry in ClinVar:

NM_000038.6(APC):c.4140C>G (p.Thr1380=)

Gene: APC (APC regulator of Wnt signaling pathway; plus strand). Cytogenetic location: 5q22.2.
Variant type: single nucleotide variant.
Coding change: c.4140C>G on transcript NM_000038.6 (MANE Select); coding-DNA position 4140, C replaced by G.
Protein change: p.Thr1380=; no amino-acid change (threonine 1380 retained).
Molecular consequence: synonymous variant.
Genome position (GRCh38, 1-based): chr5:112,839,734, C>G. VCF-style: chr5-112839734-C-G. GRCh37 (hg19) VCF-style: chr5-112175431-C-G.
Other names: c.4140C>G, p.Thr1380= (NM_001127510.3, NM_001354895.2); c.4086C>G, p.Thr1362= (NM_001127511.3); c.4194C>G, p.Thr1398= (NM_001354896.2); c.4170C>G, p.Thr1390= (NM_001354897.2); c.4065C>G, p.Thr1355= (NM_001354898.2); c.4056C>G, p.Thr1352= (NM_001354899.2); c.4017C>G, p.Thr1339= (NM_001354900.2); c.3963C>G, p.Thr1321= (NM_001354901.2); and 5 more.
Identifiers: ClinVar variation 1113761 (VCV001113761.14), dbSNP rs754571230, ClinGen allele CA037741.

ClinVar aggregate classification (germline): Benign/Likely benign. Review status: criteria provided, multiple submitters, no conflicts (2 of 4 stars). 5 submissions from 5 submitters: Benign (1); Likely benign (4). Last evaluated 2024-12-16.

Conditions:
Classic or attenuated familial adenomatous polyposis. Identifiers: MedGen CN372698, MONDO:0021057.
Hereditary cancer-predisposing syndrome. Also called: Hereditary neoplastic syndrome; Hereditary Cancer Syndrome; Neoplastic Syndromes, Hereditary; Tumor predisposition. Identifiers: Orphanet 140162, MedGen C0027672, MeSH D009386, MONDO:0015356.
Familial adenomatous polyposis 1 (FAP1). Also called: FAMILIAL ADENOMATOUS POLYPOSIS 1, ATTENUATED; POLYPOSIS, ADENOMATOUS INTESTINAL. Identifiers: MedGen C2713442, MONDO:0021056, OMIM 175100. Disease mechanism: loss of function.

Allele frequency attached by ClinVar (database versions not stated): gnomAD exomes below 0.00001; ExAC 0.00001.
gnomAD v4.1: 2 of 1,614,016 alleles (0.00012%); highest among the groups gnomAD compares: Non-Finnish European, 0.00017%; no homozygotes.

Submissions (5):

Labcorp Genetics (formerly Invitae), Labcorp
Classification: Likely benign for Familial adenomatous polyposis 1. Last evaluated: 2024-12-16. Review status: criteria provided, single submitter. Criteria: Invitae Variant Classification Sherloc (09022015). Collection method: clinical testing. Allele origin: germline.

Myriad Genetics, Inc.
Classification: Benign for Familial adenomatous polyposis 1. Last evaluated: 2024-03-25. Review status: criteria provided, single submitter. Criteria: Myriad Autosomal Dominant, Autosomal Recessive and X-Linked Classification Criteria (2023). Collection method: clinical testing. Allele origin: unknown.
Comment: This variant is considered benign. This variant is a silent/synonymous amino acid change and it is not expected to impact splicing.

All of Us Research Program, National Institutes of Health
Classification: Likely benign for Classic or attenuated familial adenomatous polyposis. Last evaluated: 2023-04-28. Review status: criteria provided, single submitter. Criteria: ACMG Guidelines, 2015. Collection method: clinical testing. Allele origin: germline. Inheritance: Autosomal dominant inheritance. Observed: 1 variant allele, 1 heterozygote.
Comment: This study involves interpretation of variants in research participants for the purpose of population health screening. Participant phenotype was not available at the time of variant classification. Additional details can be found in publication PMID: 35346344, PMCID: PMC8962531

Color Diagnostics, LLC DBA Color Health
Classification: Likely benign for Hereditary cancer-predisposing syndrome. Last evaluated: 2022-11-06. Review status: criteria provided, single submitter. Criteria: ACMG Guidelines, 2015. Collection method: clinical testing. Allele origin: germline.

Ambry Genetics
Classification: Likely benign for Hereditary cancer-predisposing syndrome. Last evaluated: 2021-05-01. Review status: criteria provided, single submitter. Criteria: Ambry Variant Classification Scheme 2023. Collection method: clinical testing. Allele origin: germline.